The following is an entry in ClinVar:

ClinVar aggregate classification (germline): Uncertain significance (1 of 4 stars; one submission).

Conditions:
Rhabdoid tumor predisposition syndrome 2 (RTPS2). Identifiers: Orphanet 231108, Orphanet 69077, MedGen C2750074, MONDO:0013224, OMIM 613325.

gnomAD v4.1: 1 of 1,551,036 alleles (0.000064%); highest among the groups gnomAD compares: Non-Finnish European, 0.000087%; no homozygotes.

Submission:

Labcorp Genetics (formerly Invitae), Labcorp
Classification: Uncertain significance for Rhabdoid tumor predisposition syndrome 2. Last evaluated: 2023-07-25. Review status: criteria provided, single submitter. Criteria: Invitae Variant Classification Sherloc (09022015). Collection method: clinical testing. Allele origin: germline.
Comment: This sequence change replaces arginine, which is basic and polar, with leucine, which is neutral and non-polar, at codon 1653 of the SMARCA4 protein (p.Arg1653Leu). This variant is not present in population databases (gnomAD no frequency). This variant has not been reported in the literature in individuals affected with SMARCA4-related conditions. Advanced modeling of protein sequence and biophysical properties (such as structural, functional, and spatial information, amino acid conservation, physicochemical variation, residue mobility, and thermodynamic stability) has been performed at Invitae for this missense variant, however the output from this modeling did not meet the statistical confidence thresholds required to predict the impact of this variant on SMARCA4 protein function. In summary, the available evidence is currently insufficient to determine the role of this variant in disease. Therefore, it has been classified as a Variant of Uncertain Significance.

NM_003072.5(SMARCA4):c.4862G>T (p.Arg1621Leu)

Gene: SMARCA4 (SWI/SNF related BAF chromatin remodeling complex subunit ATPase 4; plus strand). Cytogenetic location: 19p13.2.
Variant type: single nucleotide variant.
Coding change: c.4862G>T on transcript NM_003072.5 (MANE Select); coding-DNA position 4862, G replaced by T.
Protein change: p.Arg1621Leu; replaces arginine 1621 with leucine.
Molecular consequence: missense variant. On other transcripts: non-coding transcript variant (1).
Genome position (GRCh38, 1-based): chr19:11,060,138, G>T. VCF-style: chr19-11060138-G-T. GRCh37 (hg19) VCF-style: chr19-11170814-G-T.
Other names: c.4769G>T, p.Arg1590Leu (NM_001128846.2); c.4763G>T, p.Arg1588Leu (NM_001128847.4, NM_001374457.1); c.4760G>T, p.Arg1587Leu (NM_001128848.2); c.4958G>T, p.Arg1653Leu (NM_001128849.3, NM_001387283.1); c.4859G>T, p.Arg1620Leu (NM_001411150.1); c.4862G>T, p.Arg1621Leu (NM_001128844.3); c.4772G>T, p.Arg1591Leu (NM_001128845.2); short protein forms R1591L, R1620L, R1621L, R1588L, R1590L, R1653L, R1587L.
Identifiers: ClinVar variation 2746759 (VCV002746759.3), dbSNP rs964459864, ClinGen allele CA404080774.